The following is an entry in ClinVar:

ClinVar aggregate classification (germline): Uncertain significance (1 of 4 stars; one submission).

Conditions:
PKD1-related disorder. Also called: PKD1-related condition.

Submission:

PreventionGenetics, part of Exact Sciences
Classification: Uncertain significance for PKD1-related condition. Last evaluated: 2023-02-06. Review status: criteria provided, single submitter. Criteria: ACMG Guidelines, 2015. Collection method: clinical testing. Allele origin: germline.
Comment: The PKD1 c.3903_3926del24 variant is predicted to result in an in-frame deletion (p.Ala1302_Pro1309del). To our knowledge, this variant has not been reported in the literature or in a large population database, indicating this variant is rare. Of note, small in-frame deletions in PKD1 were commonly reported to be pathogenic for autosomal dominant polycystic kidney disease (ADPKD)(Human Gene Mutation Database). Although we suspect that this variant may be pathogenic, at this time, the clinical significance of this variant is uncertain due to the absence of conclusive functional and genetic evidence.

NM_001009944.3(PKD1):c.3903_3926del (p.Ala1302_Pro1309del)

Gene: PKD1 (polycystin 1, transient receptor potential channel interacting; minus strand). Cytogenetic location: 16p13.3.
Variant type: Deletion.
Coding change: c.3903_3926del on transcript NM_001009944.3 (MANE Select); coding-DNA positions 3903 to 3926, 24 bases deleted (CGCCGCCTGCATCCCCACGCAGCC).
Protein change: p.Ala1302_Pro1309del.
Molecular consequence: inframe deletion. On other transcripts: inframe indel (1).
Genome position (GRCh38, 1-based): chr16:2,111,241-2,111,264, GGCTGCGTGGGGATGCAGGCGGCG deleted on the plus strand (CGCCGCCTGCATCCCCACGCAGCC on the coding strand, the reverse complement: PKD1 is on the minus strand); deleting any 24 consecutive bases within chr16:2,111,241-2,111,266 gives the same sequence; the c. name uses the placement nearest the transcript's 3' end. VCF-style (leftmost placement, unchanged base first): chr16-2111240-AGGCTGCGTGGGGATGCAGGCGGCG-A. GRCh37 (hg19) VCF-style: chr16-2161241-AGGCTGCGTGGGGATGCAGGCGGCG-A.
Other names: c.3903_3926del, p.Ala1302_Pro1309del (NM_000296.4); c.3903_3926del24 (NM_001009944.2).
Identifiers: ClinVar variation 2630645 (VCV002630645.1), dbSNP rs2544826659, ClinGen allele CA2695197402.
Genomic context (GRCh38, chr16:2,111,240, plus strand): 5'-GGTCCAGTCGAAGAGGTAGTGGGCCGGGTTCCCGGTGACGTAGGCCGTGAGCCGCGCGTC[AGGCTGCGTGGGGATGCAGGCGGCG>A]GGTTCAACGCGCAGCACCTCCAGGACGAAGACCAGCACGTGCAGGCTCCGGGCCAGGTGG-3'